The following is an entry in ClinVar:

ClinVar aggregate classification (germline): Likely benign. Review status: criteria provided, multiple submitters, no conflicts (2 of 4 stars). 2 submissions from 2 submitters: Likely benign (2). Last evaluated 2026-06-12.

Conditions:
PCNT-related disorder. Also called: PCNT-related condition.

Allele frequency attached by ClinVar (database versions not stated): ExAC 0.00001.
gnomAD v4.1: 4 of 1,613,698 alleles (0.00025%); highest among the groups gnomAD compares: Non-Finnish European, 0.00034%; no homozygotes.

Submissions (2):

PreventionGenetics, part of Exact Sciences
Classification: Likely benign for PCNT-related condition. Last evaluated: 2026-06-12. Review status: criteria provided, single submitter. Criteria: ACMG Guidelines, 2015. Collection method: clinical testing. Allele origin: germline.
Comment: This variant is classified as likely benign based on ACMG/AMP sequence variant interpretation guidelines (Richards et al. 2015 PMID: 25741868, with internal and published modifications).

Labcorp Genetics (formerly Invitae), Labcorp
Classification: Likely benign. Last evaluated: 2023-10-09. Review status: criteria provided, single submitter. Criteria: Invitae Variant Classification Sherloc (09022015). Collection method: clinical testing. Allele origin: germline.

NM_006031.6(PCNT):c.7197G>A (p.Val2399=)

Gene: PCNT (pericentrin; plus strand). Cytogenetic location: 21q22.3.
Variant type: single nucleotide variant.
Coding change: c.7197G>A on transcript NM_006031.6 (MANE Select); coding-DNA position 7197, G replaced by A.
Protein change: p.Val2399=; no amino-acid change (valine 2399 retained).
Molecular consequence: synonymous variant.
Genome position (GRCh38, 1-based): chr21:46,425,848, G>A. VCF-style: chr21-46425848-G-A. GRCh37 (hg19) VCF-style: chr21-47845762-G-A.
Other names: c.7197G>A (NM_006031.5); c.6843G>A, p.Val2281= (NM_001315529.2).
Identifiers: ClinVar variation 2960328 (VCV002960328.4), dbSNP rs765469486, ClinGen allele CA10080567.